The following is an entry in ClinVar:

NM_017433.5(MYO3A):c.3334G>A (p.Ala1112Thr)

Gene: MYO3A (myosin IIIA; plus strand). Cytogenetic location: 10p12.1.
Variant type: single nucleotide variant.
Coding change: c.3334G>A on transcript NM_017433.5 (MANE Select); coding-DNA position 3334, G replaced by A.
Protein change: p.Ala1112Thr; replaces alanine 1112 with threonine.
Molecular consequence: missense variant.
Genome position (GRCh38, 1-based): chr10:26,170,475, G>A. VCF-style: chr10-26170475-G-A. GRCh37 (hg19) VCF-style: chr10-26459404-G-A.
Other names: short protein forms A1112T.
Identifiers: ClinVar variation 2430866 (VCV002430866.1), dbSNP rs2493925581, ClinGen allele CA376337832.

ClinVar aggregate classification (germline): Uncertain significance (1 of 4 stars; one submission).

Submission:

GeneDx
Classification: Uncertain significance. Last evaluated: 2022-08-18. Review status: criteria provided, single submitter. Criteria: GeneDx Variant Classification Process June 2021. Collection method: clinical testing. Allele origin: germline. Affected: yes.
Comment: Not observed at significant frequency in large population cohorts (gnomAD); In silico analysis supports that this missense variant does not alter protein structure/function; Has not been previously published as pathogenic or benign to our knowledge